The following is an entry in ClinVar:

NM_015378.4(VPS13D):c.3818C>T (p.Thr1273Met)

Gene: VPS13D (vacuolar protein sorting 13 homolog D; plus strand). Cytogenetic location: 1p36.22.
Variant type: single nucleotide variant.
Coding change: c.3818C>T on transcript NM_015378.4 (MANE Select); coding-DNA position 3818, C replaced by T.
Protein change: p.Thr1273Met; replaces threonine 1273 with methionine.
Molecular consequence: missense variant.
Genome position (GRCh38, 1-based): chr1:12,277,406, C>T. VCF-style: chr1-12277406-C-T. GRCh37 (hg19) VCF-style: chr1-12337463-C-T.
Other names: c.3818C>T, p.Thr1273Met (NM_018156.4); short protein forms T1273M.
Identifiers: ClinVar variation 1984176 (VCV001984176.2), dbSNP rs763507845, ClinGen allele CA602022.

ClinVar aggregate classification (germline): Uncertain significance (1 of 4 stars; one submission).

Allele frequency attached by ClinVar (database versions not stated): TOPMed below 0.00001; ExAC 0.00001; gnomAD exomes 0.00001.
gnomAD v4.1: 8 of 1,614,158 alleles (0.0005%); highest among the groups gnomAD compares: East Asian, 0.0022%; no homozygotes.

Submission:

Labcorp Genetics (formerly Invitae), Labcorp
Classification: Uncertain significance. Last evaluated: 2022-08-10. Review status: criteria provided, single submitter. Criteria: Invitae Variant Classification Sherloc (09022015). Collection method: clinical testing. Allele origin: germline.
Comment: In summary, the available evidence is currently insufficient to determine the role of this variant in disease. Therefore, it has been classified as a Variant of Uncertain Significance. Algorithms developed to predict the effect of missense changes on protein structure and function (SIFT, PolyPhen-2, Align-GVGD) all suggest that this variant is likely to be tolerated. This variant has not been reported in the literature in individuals affected with VPS13D-related conditions. This variant is present in population databases (rs763507845, gnomAD 0.006%). This sequence change replaces threonine, which is neutral and polar, with methionine, which is neutral and non-polar, at codon 1273 of the VPS13D protein (p.Thr1273Met).